The following is an entry in ClinVar:

NM_020822.3(KCNT1):c.334+8G>A

Gene: KCNT1 (potassium sodium-activated channel subfamily T member 1; plus strand). Cytogenetic location: 9q34.3.
Variant type: single nucleotide variant.
Coding change: c.334+8G>A on transcript NM_020822.3 (MANE Select); 8 bases into the intron after coding-DNA position 334, G replaced by A.
Molecular consequence: intron variant.
Genome position (GRCh38, 1-based): chr9:135,750,185, G>A. VCF-style: chr9-135750185-G-A. GRCh37 (hg19) VCF-style: chr9-138642031-G-A.
Other names: c.190+8G>A (NM_001272003.2).
Identifiers: ClinVar variation 2075859 (VCV002075859.4), dbSNP rs1831069786, ClinGen allele CA1883843406.

ClinVar aggregate classification (germline): Uncertain significance (1 of 4 stars; one submission).

Conditions:
Developmental and epileptic encephalopathy, 14 (DEE14). Also called: Early infantile epileptic encephalopathy 14. Identifiers: Orphanet 293181, MedGen C3554195, MONDO:0013989, OMIM 614959.
Autosomal dominant nocturnal frontal lobe epilepsy 5. Also called: Epilepsy, nocturnal frontal lobe, 5; CILIARY DYSKINESIA, PRIMARY, 28, WITH SITUS INVERSUS; CILIARY DYSKINESIA, PRIMARY, 28, WITHOUT SITUS INVERSUS; KCNT1-Related Epilepsy. Identifiers: Orphanet 98784, MedGen C3554306, MONDO:0014002, OMIM 615005.

Allele frequency attached by ClinVar (database versions not stated): TOPMed below 0.00001.

Submission:

Labcorp Genetics (formerly Invitae), Labcorp
Classification: Uncertain significance for Autosomal dominant nocturnal frontal lobe epilepsy 5; Developmental and epileptic encephalopathy, 14. Last evaluated: 2022-08-23. Review status: criteria provided, single submitter. Criteria: Invitae Variant Classification Sherloc (09022015). Collection method: clinical testing. Allele origin: germline.
Comment: In summary, the available evidence is currently insufficient to determine the role of this variant in disease. Therefore, it has been classified as a Variant of Uncertain Significance. Algorithms developed to predict the effect of sequence changes on RNA splicing suggest that this variant may create or strengthen a splice site. This variant has not been reported in the literature in individuals affected with KCNT1-related conditions. This variant is not present in population databases (gnomAD no frequency). This sequence change falls in intron 3 of the KCNT1 gene. It does not directly change the encoded amino acid sequence of the KCNT1 protein.